The following is an entry in ClinVar:

ClinVar aggregate classification (germline): Uncertain significance (1 of 4 stars; one submission).

gnomAD v4.1: 2 of 1,610,470 alleles (0.00012%); highest among the groups gnomAD compares: Non-Finnish European, 0.00017%; no homozygotes.

Submission:

Labcorp Genetics (formerly Invitae), Labcorp
Classification: Uncertain significance. Last evaluated: 2021-10-08. Review status: criteria provided, single submitter. Criteria: Invitae Variant Classification Sherloc (09022015). Collection method: clinical testing. Allele origin: germline.
Comment: Algorithms developed to predict the effect of missense changes on protein structure and function output the following: SIFT: "Tolerated"; PolyPhen-2: "Benign"; Align-GVGD: "Class C0". The isoleucine amino acid residue is found in multiple mammalian species, which suggests that this missense change does not adversely affect protein function. This variant has not been reported in the literature in individuals affected with IL6R-related conditions. This variant is not present in population databases (ExAC no frequency). This sequence change replaces valine with isoleucine at codon 278 of the IL6R protein (p.Val278Ile). The valine residue is weakly conserved and there is a small physicochemical difference between valine and isoleucine. In summary, the available evidence is currently insufficient to determine the role of this variant in disease. Therefore, it has been classified as a Variant of Uncertain Significance.

NM_000565.4(IL6R):c.832G>A (p.Val278Ile)

Gene: IL6R (interleukin 6 receptor; plus strand). Cytogenetic location: 1q21.3.
Variant type: single nucleotide variant.
Coding change: c.832G>A on transcript NM_000565.4 (MANE Select); coding-DNA position 832, G replaced by A.
Protein change: p.Val278Ile; replaces valine 278 with isoleucine.
Molecular consequence: missense variant.
Genome position (GRCh38, 1-based): chr1:154,435,993, G>A. VCF-style: chr1-154435993-G-A. GRCh37 (hg19) VCF-style: chr1-154408469-G-A.
Other names: c.832G>A, p.Val278Ile (NM_001206866.2, NM_001382769.1, NM_001382770.1 and 3 more transcripts); c.826G>A, p.Val276Ile (NM_001382772.1); c.472G>A, p.Val158Ile (NM_001382774.1); short protein forms V276I, V158I, V278I.
Identifiers: ClinVar variation 1385277 (VCV001385277.6), dbSNP rs2149245753, ClinGen allele CA342615032.